The following is an entry in ClinVar:

ClinVar aggregate classification (germline): Uncertain significance. Review status: criteria provided, multiple submitters, no conflicts (2 of 4 stars). 2 submissions from 2 submitters: Uncertain significance (2). Last evaluated 2025-04-30.

Conditions:
Immunodeficiency 51 (IMD51). Also called: CANDIDIASIS, FAMILIAL, 5. Identifiers: Orphanet 1334, MedGen C4310803, MONDO:0013500, OMIM 613953.

Allele frequency attached by ClinVar (database versions not stated): ExAC 0.00001; gnomAD exomes 0.00001 and 0.00002; TOPMed 0.00002.
gnomAD v4.1: 21 of 1,613,404 alleles (0.0013%); highest among the groups gnomAD compares: Middle Eastern, 0.05%; no homozygotes.

Submissions (2):

Labcorp Genetics (formerly Invitae), Labcorp
Classification: Uncertain significance for Immunodeficiency 51. Last evaluated: 2025-04-30. Review status: criteria provided, single submitter. Criteria: Invitae Variant Classification Sherloc (09022015). Collection method: clinical testing. Allele origin: germline.
Comment: This sequence change replaces proline, which is neutral and non-polar, with leucine, which is neutral and non-polar, at codon 314 of the IL17RA protein (p.Pro314Leu). This variant is present in population databases (rs762930594, gnomAD 0.006%). This variant has not been reported in the literature in individuals affected with IL17RA-related conditions. ClinVar contains an entry for this variant (Variation ID: 959762). An algorithm developed to predict the effect of missense changes on protein structure and function (PolyPhen-2) suggests that this variant is likely to be tolerated. In summary, the available evidence is currently insufficient to determine the role of this variant in disease. Therefore, it has been classified as a Variant of Uncertain Significance.

Breakthrough Genomics
Classification: Uncertain significance. Review status: criteria provided, single submitter. Criteria: ACMG Guidelines, 2015. Collection method: not provided. Allele origin: germline. Inheritance: Autosomal dominant inheritance. Affected: yes.

NM_014339.7(IL17RA):c.941C>T (p.Pro314Leu)

Gene: IL17RA (interleukin 17 receptor A; plus strand). Cytogenetic location: 22q11.1.
Variant type: single nucleotide variant.
Coding change: c.941C>T on transcript NM_014339.7 (MANE Select); coding-DNA position 941, C replaced by T.
Protein change: p.Pro314Leu; replaces proline 314 with leucine.
Molecular consequence: missense variant.
Genome position (GRCh38, 1-based): chr22:17,105,600, C>T. VCF-style: chr22-17105600-C-T. GRCh37 (hg19) VCF-style: chr22-17586490-C-T.
Other names: c.941C>T, p.Pro314Leu (NM_001289905.2); short protein forms P314L.
Identifiers: ClinVar variation 959762 (VCV000959762.9), dbSNP rs762930594, ClinGen allele CA10086568.